The following is an entry in ClinVar:

NM_005993.5(TBCD):c.1786G>A (p.Glu596Lys)

Gene: TBCD (tubulin folding cofactor D). Cytogenetic location: 17q25.3.
Variant type: single nucleotide variant.
Coding change: c.1786G>A on transcript NM_005993.5 (MANE Select); coding-DNA position 1786, G replaced by A.
Protein change: p.Glu596Lys; replaces glutamic acid 596 with lysine.
Molecular consequence: missense variant.
Genome position (GRCh38, 1-based): chr17:82,903,460, G>A. VCF-style: chr17-82903460-G-A. GRCh37 (hg19) VCF-style: chr17-80861336-G-A.
Other names: short protein forms E596K.
Identifiers: ClinVar variation 1172683 (VCV001172683.5), dbSNP rs764929196, ClinGen allele CA8862753.
Genomic context (GRCh38, chr17:82,903,460, plus strand): 5'-CTCAGGGTCATCCGAGAGTTGGCTGCGAGGGCGCTGCACAACCTGGCCCAGCAGGCACCC[G>A]AGTTCAGCGCCACGCAAGGTGGGTGTGTGTCCCGGCCGGCCTGCGGGCACCATGCATGCA-3'
Protein context (NP_005984.3, residues 586-606): ALHNLAQQAP[Glu596Lys]FSATQVFPRL

ClinVar aggregate classification (germline): Uncertain significance. Review status: criteria provided, multiple submitters, no conflicts (2 of 4 stars). 4 submissions from 4 submitters: Uncertain significance (4). Last evaluated 2025-10-09.

Conditions:
Inborn genetic diseases. Identifiers: MedGen C0950123, MeSH D030342.

Allele frequency attached by ClinVar (database versions not stated): ExAC 0.00008; gnomAD 0.00003; gnomAD exomes 0.00004 and 0.00007; TOPMed 0.00005.
gnomAD v4.1: 99 of 1,598,304 alleles (0.0062%); highest among the groups gnomAD compares: Middle Eastern, 0.016%; no homozygotes.

Submissions (4):

Labcorp Genetics (formerly Invitae), Labcorp
Classification: Uncertain significance. Last evaluated: 2025-10-09. Review status: criteria provided, single submitter. Criteria: Invitae Variant Classification Sherloc (09022015). Collection method: clinical testing. Allele origin: germline.
Comment: This sequence change replaces glutamic acid, which is acidic and polar, with lysine, which is basic and polar, at codon 596 of the TBCD protein (p.Glu596Lys). This variant is present in population databases (rs764929196, gnomAD 0.008%). This variant has not been reported in the literature in individuals affected with TBCD-related conditions. ClinVar contains an entry for this variant (Variation ID: 1172683). Invitae Evidence Modeling of protein sequence and biophysical properties (such as structural, functional, and spatial information, amino acid conservation, physicochemical variation, residue mobility, and thermodynamic stability) has been performed for this missense variant. However, the output from this modeling did not meet the statistical confidence thresholds required to predict the impact of this variant on TBCD protein function. In summary, the available evidence is currently insufficient to determine the role of this variant in disease. Therefore, it has been classified as a Variant of Uncertain Significance.

Ambry Genetics
Classification: Uncertain significance for Inborn genetic diseases. Last evaluated: 2025-08-06. Review status: criteria provided, single submitter. Criteria: Ambry Variant Classification Scheme 2023. Collection method: clinical testing. Allele origin: germline.

Blueprint Genetics
Classification: Uncertain significance. Last evaluated: 2024-07-09. Review status: criteria provided, single submitter. Criteria: ACMG Guidelines, 2015. Collection method: clinical testing. Allele origin: germline.

GeneDx
Classification: Uncertain significance. Last evaluated: 2023-05-11. Review status: criteria provided, single submitter. Criteria: GeneDx Variant Classification Process June 2021. Collection method: clinical testing. Allele origin: germline. Affected: yes.
Comment: In silico analysis supports that this missense variant has a deleterious effect on protein structure/function; Has not been previously published as pathogenic or benign to our knowledge